The following is an entry in ClinVar:

NM_025137.4(SPG11):c.5977C>T (p.Gln1993Ter)

Gene: SPG11 (SPG11 vesicle trafficking associated, spatacsin; minus strand). Cytogenetic location: 15q21.1.
Variant type: single nucleotide variant.
Coding change: c.5977C>T on transcript NM_025137.4 (MANE Select); coding-DNA position 5977, C replaced by T.
Protein change: p.Gln1993Ter; replaces glutamine 1993 with a stop codon.
Molecular consequence: nonsense. On other transcripts: intron variant (1).
Genome position (GRCh38, 1-based): chr15:44,574,931, G>A on the plus strand (C>T on the coding strand, the complement: SPG11 is on the minus strand). VCF-style: chr15-44574931-G-A. GRCh37 (hg19) VCF-style: chr15-44867129-G-A.
Other names: c.5867-2111C>T (NM_001160227.2); short protein forms Q1993*.
Identifiers: ClinVar variation 41334 (VCV000041334.4), dbSNP rs312262774, ClinGen allele CA344365.

ClinVar aggregate classification (germline): Pathogenic/Likely pathogenic. Review status: criteria provided, multiple submitters, no conflicts (2 of 4 stars). 3 submissions from 3 submitters: Pathogenic (1); Likely pathogenic (1). 1 of the submissions does not count toward it. Last evaluated 2025-01-02.

Conditions:
Amyotrophic lateral sclerosis type 5 (ALS5). Also called: AMYOTROPHIC LATERAL SCLEROSIS 5, JUVENILE. Identifiers: Orphanet 300605, MedGen C1865864, MONDO:0011196, OMIM 602099.
Charcot-Marie-Tooth disease axonal type 2X. Also called: CHARCOT-MARIE-TOOTH DISEASE, AXONAL, AUTOSOMAL RECESSIVE, TYPE 2X; CHARCOT-MARIE-TOOTH NEUROPATHY, TYPE 2X. Identifiers: Orphanet 466775, MedGen C5569024, MONDO:0014726, OMIM 616668.
Hereditary spastic paraplegia 11. Also called: SPASTIC PARAPLEGIA, AUTOSOMAL RECESSIVE, COMPLICATED, WITH THIN CORPUS CALLOSUM; SPASTIC PARAPLEGIA, AUTOSOMAL RECESSIVE, WITH MENTAL IMPAIRMENT AND THIN CORPUS CALLOSUM; Spastic paraplegia, mental retardation and thin corpus callosum; Spastic Paraplegia 11; Nakamura Osame syndrome; Autosomal recessive hereditary spastic paraplegia, mental impairment, and thin corpus callosum. Identifiers: Orphanet 2822, MedGen C1858479, MONDO:0011445, OMIM 604360.

Allele frequency attached by ClinVar (database versions not stated): gnomAD exomes below 0.00001.
gnomAD v4.1: 2 of 1,614,068 alleles (0.00012%); highest among the groups gnomAD compares: Non-Finnish European, 0.00017%; no homozygotes.

Submissions (3):

GeneDx
Classification: Pathogenic. Last evaluated: 2025-01-02. Review status: criteria provided, single submitter. Criteria: GeneDx Variant Classification Process June 2021. Collection method: clinical testing. Allele origin: germline. Affected: yes.
Comment: Nonsense variant predicted to result in protein truncation or nonsense mediated decay in a gene for which loss of function is a known mechanism of disease; Not observed at significant frequency in large population cohorts (gnomAD); This variant is associated with the following publications: (PMID: 25525159, 36109173, 18835492, 36748384, 29980238, 18361476, 34275688)

Fulgent Genetics
Classification: Likely pathogenic for Amyotrophic lateral sclerosis type 5; Hereditary spastic paraplegia 11; Charcot-Marie-Tooth disease axonal type 2X. Last evaluated: 2024-05-10. Review status: criteria provided, single submitter. Criteria: ACMG Guidelines, 2015. Collection method: clinical testing. Allele origin: germline.

GeneReviews
No classification provided. Condition: Hereditary spastic paraplegia 11. Review status: no classification provided. Collection method: literature only. Allele origin: unknown. Not counted in ClinVar's aggregate classification.

Literature cited by the submitters: PubMed 18361476 (cited by GeneReviews); PubMed 18835492 (cited by GeneReviews); PubMed 20301389 (cited by GeneReviews); NCBI Bookshelf NBK1210 (cited by GeneReviews).